The following is an entry in ClinVar:

NM_000426.4(LAMA2):c.7633G>A (p.Asp2545Asn)

Gene: LAMA2 (laminin subunit alpha 2; plus strand). Cytogenetic location: 6q22.33.
Variant type: single nucleotide variant.
Coding change: c.7633G>A on transcript NM_000426.4 (MANE Select); coding-DNA position 7633, G replaced by A.
Protein change: p.Asp2545Asn; replaces aspartic acid 2545 with asparagine.
Molecular consequence: missense variant.
Genome position (GRCh38, 1-based): chr6:129,481,323, G>A. VCF-style: chr6-129481323-G-A. GRCh37 (hg19) VCF-style: chr6-129802468-G-A.
Other names: c.7621G>A, p.Asp2541Asn (NM_001079823.2); short protein forms D2545N, D2541N.
Identifiers: ClinVar variation 2177362 (VCV002177362.4), dbSNP rs921396502, ClinGen allele CA146905758.
Genomic context (GRCh38, chr6:129,481,323, plus strand): 5'-AATGTTTACACAGTTAGCTTTCCTAAGCCTGGTTTTGTGGAGCTCTCCCCTGTGCCAATT[G>A]ATGTAGGAACAGAAATCAACCTGTCATTCAGCACCAAGAATGAGTCCGGCATCATTCTTT-3'
Protein context (NP_000417.3, residues 2535-2555): GFVELSPVPI[Asp2545Asn]VGTEINLSFS

ClinVar aggregate classification (germline): Uncertain significance. Review status: criteria provided, multiple submitters, no conflicts (2 of 4 stars). 2 submissions from 2 submitters: Uncertain significance (2). Last evaluated 2023-01-25.

Conditions:
LAMA2-related muscular dystrophy (LAMA2-RD). Also called: Laminin alpha 2-related dystrophy. Identifiers: MedGen C5679788, MONDO:0100228.

Allele frequency attached by ClinVar (database versions not stated): TOPMed below 0.00001.
gnomAD v4.1: 2 of 1,613,688 alleles (0.00012%); highest among the groups gnomAD compares: Admixed American, 0.0033%; no homozygotes.

Submissions (2):

Revvity Omics, Revvity
Classification: Uncertain significance. Last evaluated: 2023-01-25. Review status: criteria provided, single submitter. Criteria: ACMG Guidelines, 2015. Collection method: clinical testing. Allele origin: germline.

Labcorp Genetics (formerly Invitae), Labcorp
Classification: Uncertain significance for LAMA2-related muscular dystrophy. Last evaluated: 2022-07-19. Review status: criteria provided, single submitter. Criteria: Invitae Variant Classification Sherloc (09022015). Collection method: clinical testing. Allele origin: germline.
Comment: This sequence change replaces aspartic acid, which is acidic and polar, with asparagine, which is neutral and polar, at codon 2545 of the LAMA2 protein (p.Asp2545Asn). In summary, the available evidence is currently insufficient to determine the role of this variant in disease. Therefore, it has been classified as a Variant of Uncertain Significance. Advanced modeling of protein sequence and biophysical properties (such as structural, functional, and spatial information, amino acid conservation, physicochemical variation, residue mobility, and thermodynamic stability) performed at Invitae indicates that this missense variant is not expected to disrupt LAMA2 protein function. This variant has not been reported in the literature in individuals affected with LAMA2-related conditions. This variant is present in population databases (no rsID available, gnomAD 0.003%).